The following is an entry in ClinVar:

ClinVar aggregate classification (germline): Uncertain significance (1 of 4 stars; one submission).

Submission:

GeneDx
Classification: Uncertain significance. Last evaluated: 2025-08-15. Review status: criteria provided, single submitter. Criteria: GeneDx Variant Classification Process June 2021. Collection method: clinical testing. Allele origin: germline. Affected: yes.
Comment: Not observed at significant frequency in large population cohorts (gnomAD); In silico analysis suggests that this missense variant does not alter protein structure/function; Has not been previously published as pathogenic or benign to our knowledge

NM_001148.6(ANK2):c.5683T>G (p.Ser1895Ala)

Genes: ANK2 (ankyrin 2; plus strand), LOC126807136 (MED14-independent group 3 enhancer GRCh37_chr4:114274931-114276130; plus strand). Cytogenetic location: 4q26.
Variant type: single nucleotide variant.
Coding change: c.5683T>G on transcript NM_001148.6 (MANE Select); coding-DNA position 5683, T replaced by G.
Protein change: p.Ser1895Ala; replaces serine 1895 with alanine.
Molecular consequence: missense variant. On other transcripts: intron variant (68).
Genome position (GRCh38, 1-based): chr4:113,354,301, T>G. VCF-style: chr4-113354301-T-G. GRCh37 (hg19) VCF-style: chr4-114275457-T-G.
Other names: c.5449T>G, p.Ser1817Ala (NM_001386142.1); c.2083T>G, p.Ser695Ala (NM_001386166.1); c.5824T>G, p.Ser1942Ala (NM_001386174.1); c.5800T>G, p.Ser1934Ala (NM_001386175.1); c.4411+4052T>G (NM_001386186.2, NM_001386148.2); c.4213+4052T>G (NM_001354269.3); c.4291+4052T>G (NM_001386187.2); c.4252+4052T>G (NM_001386147.1); and 35 more; short protein forms S695A, S1942A, S1817A, S1895A, S1934A.
Identifiers: ClinVar variation 4795262 (VCV004795262.1).